The following is an entry in ClinVar:

ClinVar aggregate classification (germline): Uncertain significance (1 of 4 stars; one submission).

Submission:

Labcorp Genetics (formerly Invitae), Labcorp
Classification: Uncertain significance. Last evaluated: 2023-08-17. Review status: criteria provided, single submitter. Criteria: Invitae Variant Classification Sherloc (09022015). Collection method: clinical testing. Allele origin: germline.
Comment: Experimental studies and prediction algorithms are not available or were not evaluated, and the functional significance of this variant is currently unknown. In summary, the available evidence is currently insufficient to determine the role of this variant in disease. Therefore, it has been classified as a Variant of Uncertain Significance. ClinVar contains an entry for this variant (Variation ID: 2135374). This sequence change replaces serine, which is neutral and polar, with arginine, which is basic and polar, at codon 1141 of the TUBGCP6 protein (p.Ser1141Arg). This variant is not present in population databases (gnomAD no frequency). This variant has not been reported in the literature in individuals affected with TUBGCP6-related conditions.

NM_020461.4(TUBGCP6):c.3421A>C (p.Ser1141Arg)

Gene: TUBGCP6 (tubulin gamma complex component 6; minus strand). Cytogenetic location: 22q13.33.
Variant type: single nucleotide variant.
Coding change: c.3421A>C on transcript NM_020461.4 (MANE Select); coding-DNA position 3421, A replaced by C.
Protein change: p.Ser1141Arg; replaces serine 1141 with arginine.
Molecular consequence: missense variant.
Genome position (GRCh38, 1-based): chr22:50,220,938, T>G on the plus strand (A>C on the coding strand, the complement: TUBGCP6 is on the minus strand). VCF-style: chr22-50220938-T-G. GRCh37 (hg19) VCF-style: chr22-50659367-T-G.
Other names: short protein forms S1141R.
Identifiers: ClinVar variation 2135374 (VCV002135374.2), dbSNP rs1602509203, ClinGen allele CA412182585.
Genomic context (GRCh38, chr22:50,220,938, plus strand): 5'-GGGTGTTCCACCGTGGCCGGGTGGGAGCCACGTCCGACACGTTCTCCCCAACCCTGATGC[T>G]GGCGTTGGACACGTGCCCGTGGGTATTCCACCGTGGCCTGGTGGGAGCCACATCTGACAC-3'
Protein context (NP_065194.3, residues 1131-1151): WNTHGHVSNA[Ser1141Arg]IRVGENVSDV